The following is an entry in ClinVar:

ClinVar aggregate classification (germline): Uncertain significance. Review status: criteria provided, multiple submitters, no conflicts (2 of 4 stars). 2 submissions from 2 submitters: Uncertain significance (2). Last evaluated 2024-09-25.

Conditions:
HYPERHOMOCYSTEINEMIA, THROMBOTIC, CBS-RELATED. Identifiers: MedGen C3150344, OMIM 236200.

Allele frequency attached by ClinVar (database versions not stated): ExAC 0.00001.

Submissions (2):

Women's Health and Genetics/Laboratory Corporation of America, LabCorp
Classification: Uncertain significance. Last evaluated: 2024-09-25. Review status: criteria provided, single submitter. Criteria: LabCorp Variant Classification Summary - May 2015. Collection method: clinical testing. Allele origin: germline.
Comment: Variant summary: CBS c.748A>T (p.Met250Leu) results in a conservative amino acid change located in the Tryptophan synthase beta chain-like, PALP domain (IPR001926) of the encoded protein sequence. Three of five in-silico tools predict a damaging effect of the variant on protein function. The variant allele was found at a frequency of 4.1e-06 in 246040 control chromosomes. The available data on variant occurrences in the general population are insufficient to allow any conclusion about variant significance. c.748A>T has been reported in the literature in at least one individual with aortic dissection (e.g., Erhart_2020), however without strong evidence for causality. These report(s) do not provide unequivocal conclusions about association of the variant with Homocystinuria. To our knowledge, no experimental evidence demonstrating an impact on protein function has been reported. The following publication was ascertained in the context of this evaluation (PMID: 33282382). ClinVar contains an entry for this variant (Variation ID: 2148058). Based on the evidence outlined above, the variant was classified as uncertain significance.

Labcorp Genetics (formerly Invitae), Labcorp
Classification: Uncertain significance for HYPERHOMOCYSTEINEMIA, THROMBOTIC, CBS-RELATED. Last evaluated: 2022-04-12. Review status: criteria provided, single submitter. Criteria: Invitae Variant Classification Sherloc (09022015). Collection method: clinical testing. Allele origin: germline.
Comment: This sequence change replaces methionine, which is neutral and non-polar, with leucine, which is neutral and non-polar, at codon 250 of the CBS protein (p.Met250Leu). This variant is present in population databases (rs777884368, gnomAD 0.01%). This missense change has been observed in individual(s) with clinical features of CBS-related conditions (PMID: 31279624). Algorithms developed to predict the effect of missense changes on protein structure and function are either unavailable or do not agree on the potential impact of this missense change (SIFT: "Tolerated"; PolyPhen-2: "Possibly Damaging"; Align-GVGD: "Class C0"). In summary, the available evidence is currently insufficient to determine the role of this variant in disease. Therefore, it has been classified as a Variant of Uncertain Significance.

Literature cited by the submitters: PubMed 33282382 (cited by Women's Health and Genetics/Laboratory Corporation of America, LabCorp); PubMed 31279624 (cited by Labcorp Genetics (formerly Invitae), Labcorp).

NM_000071.3(CBS):c.748A>T (p.Met250Leu)

Gene: CBS (cystathionine beta-synthase; minus strand). Cytogenetic location: 21q22.3.
Variant type: single nucleotide variant.
Coding change: c.748A>T on transcript NM_000071.3 (MANE Select); coding-DNA position 748, A replaced by T.
Protein change: p.Met250Leu; replaces methionine 250 with leucine.
Molecular consequence: missense variant.
Genome position (GRCh38, 1-based): chr21:43,063,980, T>A on the plus strand (A>T on the coding strand, the complement: CBS is on the minus strand). VCF-style: chr21-43063980-T-A. GRCh37 (hg19) VCF-style: chr21-44484090-T-A.
Other names: c.748A>T, p.Met250Leu (NM_001178008.3, NM_001178009.3, NM_001320298.2); c.433A>T, p.Met145Leu (NM_001321072.1); short protein forms M250L, M145L.
Identifiers: ClinVar variation 2148058 (VCV002148058.2), dbSNP rs777884368, ClinGen allele CA321094346.